The following is an entry in ClinVar:

NM_001130438.3(SPTAN1):c.7161-2_7174del

Gene: SPTAN1 (spectrin alpha, non-erythrocytic 1; plus strand). Cytogenetic location: 9q34.11.
Variant type: Deletion.
Coding change: c.7161-2_7174del on transcript NM_001130438.3 (MANE Select); the canonical splice acceptor site of the intron before coding-DNA position 7161 through coding-DNA position 7174, 16 bases deleted (AGAGATGGCCATGTCT).
Molecular consequence: splice acceptor variant.
Genome position (GRCh38, 1-based): chr9:128,632,806-128,632,821, AGAGATGGCCATGTCT deleted; deleting any 16 consecutive bases within chr9:128,632,804-128,632,821 gives the same sequence; the c. name uses the placement nearest the transcript's 3' end. VCF-style (leftmost placement, unchanged base first): chr9-128632803-CCTAGAGATGGCCATGT-C. GRCh37 (hg19) VCF-style: chr9-131395082-CCTAGAGATGGCCATGT-C.
Other names: c.7260-2_7273del (NM_001375318.1); c.7197-2_7210del (NM_001375312.2); c.7161-2_7174del (NM_001375311.2); c.7101-2_7114del (NM_001375314.2, NM_001363765.2); c.7248-2_7261del (NM_001375310.1); c.7224-2_7237del (NM_001363759.2); c.7143-2_7156del (NM_001375313.1); c.7146-2_7159del (NM_003127.4); and 1 more.
Identifiers: ClinVar variation 1475255 (VCV001475255.7), dbSNP rs2132105386, ClinGen allele CA2573143918.
Genomic context (GRCh38, chr9:128,632,803, plus strand): 5'-GTGAGCCTCTGCCCGGGGCACCCACCTGCCCTCCCTGCTCAGGCTCTTGCTTCCCCCGCT[CCTAGAGATGGCCATGT>C]CTCCTTGCAAGAATACATGGCTTTCATGATCAGCCGCGAAACTGAGAACGTCAAGTCCAG-3'

ClinVar aggregate classification (germline): Likely pathogenic (1 of 4 stars; one submission).

Conditions:
Early-infantile DEE. Also called: Early infantile epileptic encephalopathy with suppression bursts; Early infantile epileptic encephalopathy; Ohtahara syndrome. Identifiers: Orphanet 1934, MedGen C0393706, MONDO:0800491.

Submission:

Labcorp Genetics (formerly Invitae), Labcorp
Classification: Likely pathogenic for Early-infantile DEE. Last evaluated: 2024-08-12. Review status: criteria provided, single submitter. Criteria: Invitae Variant Classification Sherloc (09022015). Collection method: clinical testing. Allele origin: germline.
Comment: This variant results in the deletion of part of exon 56 (c.7161-2_7174del) of the SPTAN1 gene. It is expected to disrupt RNA splicing. Variants that disrupt the donor or acceptor splice site typically lead to a loss of protein function (PMID: 16199547), and loss-of-function variants in SPTAN1 are known to be pathogenic (PMID: 31332438, 33206935). This variant is not present in population databases (gnomAD no frequency). This variant has not been reported in the literature in individuals affected with SPTAN1-related conditions. ClinVar contains an entry for this variant (Variation ID: 1475255). In summary, the currently available evidence indicates that the variant is pathogenic, but additional data are needed to prove that conclusively. Therefore, this variant has been classified as Likely Pathogenic.

Literature cited by the submitters: PubMed 16199547; PubMed 31332438; PubMed 33206935.